The following is an entry in ClinVar:

ClinVar aggregate classification (germline): Uncertain significance (0 of 4 stars; one submission).

Conditions:
DOCK8-related disorder. Also called: DOCK8-related condition.

Submission:

PreventionGenetics, part of Exact Sciences
Classification: Uncertain significance for DOCK8-related condition. Last evaluated: 2024-03-24. Review status: no assertion criteria provided. Collection method: clinical testing. Allele origin: germline.
Comment: The DOCK8 c.3985G>T variant is predicted to result in the amino acid substitution p.Asp1329Tyr. To our knowledge, this variant has not been reported in the literature. This variant is reported in 0.00088% of alleles in individuals of European (Non-Finnish) descent in gnomAD. At this time, the clinical significance of this variant is uncertain due to the absence of conclusive functional and genetic evidence.

NM_203447.4(DOCK8):c.3985G>T (p.Asp1329Tyr)

Gene: DOCK8 (dedicator of cytokinesis 8; plus strand). Cytogenetic location: 9p24.3.
Variant type: single nucleotide variant.
Coding change: c.3985G>T on transcript NM_203447.4 (MANE Select); coding-DNA position 3985, G replaced by T.
Protein change: p.Asp1329Tyr; replaces aspartic acid 1329 with tyrosine.
Molecular consequence: missense variant.
Genome position (GRCh38, 1-based): chr9:420,545, G>T. VCF-style: chr9-420545-G-T. GRCh37 (hg19) VCF-style: chr9-420545-G-T.
Other names: c.3685G>T, p.Asp1229Tyr (NM_001190458.2); c.3781G>T, p.Asp1261Tyr (NM_001193536.2); short protein forms D1229Y, D1261Y, D1329Y.
Identifiers: ClinVar variation 3349665 (VCV003349665.1).
Genomic context (GRCh38, chr9:420,545, plus strand): 5'-CAGAGCCTCATTAGGAAGTGGATTGCTGACCTGCCATCAACGCAGCTCAACAGGATTTTA[G>T]ATCTACTTTTCATCTGTGTGTTATGTTTTGAGTATAAGGTAAGTCTGGAGTGGCACAACT-3'
Protein context (NP_982272.2, residues 1319-1339): LPSTQLNRIL[Asp1329Tyr]LLFICVLCFE